The following is an entry in ClinVar:

ClinVar aggregate classification (germline): Uncertain significance (1 of 4 stars; one submission).

Conditions:
Congenital contractural arachnodactyly (CCA). Also called: Beals-Hecht syndrome; BEALS SYNDROME; Arthrogryposis, distal, type 9. Identifiers: Orphanet 115, MedGen C0220668, MONDO:0007363, OMIM 121050.

gnomAD v4.1: 1 of 1,614,138 alleles (0.000062%); highest among the groups gnomAD compares: Non-Finnish European, 0.000085%; no homozygotes.

Submission:

Labcorp Genetics (formerly Invitae), Labcorp
Classification: Uncertain significance for Congenital contractural arachnodactyly. Last evaluated: 2024-11-08. Review status: criteria provided, single submitter. Criteria: Invitae Variant Classification Sherloc (09022015). Collection method: clinical testing. Allele origin: germline.
Comment: This sequence change replaces glutamic acid, which is acidic and polar, with aspartic acid, which is acidic and polar, at codon 2714 of the FBN2 protein (p.Glu2714Asp). This variant is not present in population databases (gnomAD no frequency). This variant has not been reported in the literature in individuals affected with FBN2-related conditions. Invitae Evidence Modeling of protein sequence and biophysical properties (such as structural, functional, and spatial information, amino acid conservation, physicochemical variation, residue mobility, and thermodynamic stability) indicates that this missense variant is not expected to disrupt FBN2 protein function with a negative predictive value of 80%. In summary, the available evidence is currently insufficient to determine the role of this variant in disease. Therefore, it has been classified as a Variant of Uncertain Significance.

NM_001999.4(FBN2):c.8142G>C (p.Glu2714Asp)

Gene: FBN2 (fibrillin 2; minus strand). Cytogenetic location: 5q23.3.
Variant type: single nucleotide variant.
Coding change: c.8142G>C on transcript NM_001999.4 (MANE Select); coding-DNA position 8142, G replaced by C.
Protein change: p.Glu2714Asp; replaces glutamic acid 2714 with aspartic acid.
Molecular consequence: missense variant.
Genome position (GRCh38, 1-based): chr5:128,263,475, C>G on the plus strand (G>C on the coding strand, the complement: FBN2 is on the minus strand). VCF-style: chr5-128263475-C-G. GRCh37 (hg19) VCF-style: chr5-127599167-C-G.
Other names: short protein forms E2714D.
Identifiers: ClinVar variation 3700506 (VCV003700506.2).